The following is an entry in ClinVar:

ClinVar aggregate classification (germline): Pathogenic/Likely pathogenic. Review status: criteria provided, multiple submitters, no conflicts (2 of 4 stars). 2 submissions from 2 submitters: Pathogenic (1); Likely pathogenic (1). Last evaluated 2024-08-22.

Conditions:
Cerebellar dysfunction with variable cognitive and behavioral abnormalities (CECBA). Also called: Nonprogressive cerebellar atxia with intellectual disability. Identifiers: Orphanet 314647, MedGen C3553661, MONDO:0013886, OMIM 614756.

Submissions (2):

Department of Human Genetics, Hannover Medical School
Classification: Pathogenic for Cerebellar dysfunction with variable cognitive and behavioral abnormalities. Last evaluated: 2024-08-22. Review status: criteria provided, single submitter. Criteria: ACMG Guidelines, 2015. Collection method: clinical testing. Allele origin: germline. Affected: yes.

GeneDx
Classification: Likely pathogenic. Last evaluated: 2016-11-04. Review status: criteria provided, single submitter. Criteria: GeneDx Variant Classification (06012015). Collection method: clinical testing. Allele origin: germline. Affected: yes.
Comment: The R1641X variant in the CAMTA1 gene has not been reported previously as a pathogenic variant nor as a benign variant, to our knowledge. This variant is predicted to cause loss of normal protein function either through protein truncation or nonsense-mediated mRNA decay. The R1641X variant was not observed in approximately 6500 individuals of European and African American ancestry in the NHLBI Exome Sequencing Project, indicating it is not a common benign variant in these populations. We interpret R1641X as a likely pathogenic variant

NM_015215.4(CAMTA1):c.4921C>T (p.Arg1641Ter)

Gene: CAMTA1 (calmodulin binding transcription activator 1; plus strand). Cytogenetic location: 1p36.23.
Variant type: single nucleotide variant.
Coding change: c.4921C>T on transcript NM_015215.4 (MANE Select); coding-DNA position 4921, C replaced by T.
Protein change: p.Arg1641Ter; replaces arginine 1641 with a stop codon.
Molecular consequence: nonsense.
Genome position (GRCh38, 1-based): chr1:7,752,496, C>T. VCF-style: chr1-7752496-C-T. GRCh37 (hg19) VCF-style: chr1-7812556-C-T.
Other names: c.4831C>T, p.Arg1611Ter (NM_001349608.2); c.4603C>T, p.Arg1535Ter (NM_001349609.2); c.4597C>T, p.Arg1533Ter (NM_001349610.2); c.4513C>T, p.Arg1505Ter (NM_001349612.2); c.2050C>T, p.Arg684Ter (NM_001349613.1); c.2014C>T, p.Arg672Ter (NM_001349614.1, NM_001349615.2, NM_001349616.2); c.1993C>T, p.Arg665Ter (NM_001349617.1, NM_001349618.2); c.1675C>T, p.Arg559Ter (NM_001349619.2, NM_001349620.1, NM_001349621.1 and 1 more transcripts); and 1 more; short protein forms R1641*, R1533*, R559*, R672*, R684*, R665*, R1505*, R1535*.
Identifiers: ClinVar variation 390487 (VCV000390487.3), dbSNP rs1057523792, ClinGen allele CA16603760.